The following is an entry in ClinVar:

ClinVar aggregate classification (germline): Uncertain significance (1 of 4 stars; one submission).

Allele frequency attached by ClinVar (database versions not stated): gnomAD exomes below 0.00001; gnomAD 0.00001; TOPMed 0.00002.
gnomAD v4.1: 2 of 1,613,746 alleles (0.00012%); highest among the groups gnomAD compares: Admixed American, 0.0033%; no homozygotes.

Submission:

GeneDx
Classification: Uncertain significance. Last evaluated: 2020-01-20. Review status: criteria provided, single submitter. Criteria: GeneDx Variant Classification Process June 2021. Collection method: clinical testing. Allele origin: germline. Affected: yes.
Comment: In silico analysis, which includes splice predictors and evolutionary conservation, supports that this variant does not alter protein structure/function; Has not been previously published as pathogenic or benign to our knowledge

NM_001368882.1(COL13A1):c.1914+3G>A

Gene: COL13A1 (collagen type XIII alpha 1 chain; plus strand). Cytogenetic location: 10q22.1.
Variant type: single nucleotide variant.
Coding change: c.1914+3G>A on transcript NM_001368882.1 (MANE Select); 3 bases into the intron after coding-DNA position 1914, G replaced by A.
Molecular consequence: intron variant.
Genome position (GRCh38, 1-based): chr10:69,941,026, G>A. VCF-style: chr10-69941026-G-A. GRCh37 (hg19) VCF-style: chr10-71700782-G-A.
Other names: c.1771-3099G>A (NM_001320951.2); c.1729-3099G>A (NM_001368884.1); c.1881+3G>A (NM_001130103.2); c.1815+3G>A (NM_080801.4); c.1735-3099G>A (NM_080802.4); c.1789-3099G>A (NM_080800.4); c.1171-3099G>A (NM_001368886.1); c.1791+3G>A (NM_001368883.1); and 7 more.
Identifiers: ClinVar variation 1311164 (VCV001311164.2), dbSNP rs1327124397, ClinGen allele CA594264967.